The following is an entry in ClinVar:

NM_012452.3(TNFRSF13B):c.298dup (p.Cys100fs)

Gene: TNFRSF13B (TNF receptor superfamily member 13B; minus strand). Cytogenetic location: 17p11.2.
Variant type: Duplication.
Coding change: c.298dup on transcript NM_012452.3 (MANE Select); coding-DNA position 298, one base duplicated (T; older notation c.298dupT).
Protein change: p.Cys100fs; shifts the reading frame from cysteine 100.
Molecular consequence: frameshift variant.
Genome position (GRCh38, 1-based): chr17:16,948,885, A duplicated on the plus strand (T on the coding strand, the reverse complement: TNFRSF13B is on the minus strand). VCF-style (leftmost placement, unchanged base first): chr17-16948884-C-CA. GRCh37 (hg19) VCF-style: chr17-16852198-C-CA.
Other names: c.298dupT (NM_012452.2); short protein forms C100fs.
Identifiers: ClinVar variation 1456816 (VCV001456816.11), dbSNP rs72553878, ClinGen allele CA8414047.

ClinVar aggregate classification (germline): Pathogenic/Likely pathogenic. Review status: criteria provided, multiple submitters, no conflicts (2 of 4 stars). 2 submissions from 2 submitters: Pathogenic (1); Likely pathogenic (1). Last evaluated 2025-11-10.

Conditions:
TNFRSF13B-related disorder. Also called: TNFRSF13B-related condition.
Immunodeficiency, common variable, 2 (CVID2). Also called: ANTIBODY DEFICIENCY DUE TO TACI DEFECT; HYPOGAMMAGLOBULINEMIA DUE TO TACI DEFICIENCY. Identifiers: Orphanet 1572, MedGen C3150354, MONDO:0009413, OMIM 240500.

Allele frequency attached by ClinVar (database versions not stated): TOPMed below 0.00001; gnomAD 0.00001; gnomAD exomes 0.00001; ExAC 0.00002.

Submissions (2):

Labcorp Genetics (formerly Invitae), Labcorp
Classification: Pathogenic for Immunodeficiency, common variable, 2. Last evaluated: 2025-11-10. Review status: criteria provided, single submitter. Criteria: Invitae Variant Classification Sherloc (09022015). Collection method: clinical testing. Allele origin: germline.
Comment: This sequence change creates a premature translational stop signal (p.Cys100Leufs*6) in the TNFRSF13B gene. It is expected to result in an absent or disrupted protein product. Loss-of-function variants in TNFRSF13B are known to be pathogenic (PMID: 16007087, 27123465). This variant is present in population databases (rs774205573, gnomAD 0.003%). This premature translational stop signal has been observed in individual(s) with common variable immunodeficiency (PMID: 18981294). ClinVar contains an entry for this variant (Variation ID: 1456816). For these reasons, this variant has been classified as Pathogenic.

PreventionGenetics, part of Exact Sciences
Classification: Likely pathogenic for TNFRSF13B-related condition. Last evaluated: 2025-04-18. Review status: criteria provided, single submitter. Criteria: ACMG Guidelines, 2015. Collection method: clinical testing. Allele origin: germline.
Comment: The TNFRSF13B c.298dupT variant is predicted to result in a frameshift and premature protein termination (p.Cys100Leufs*6). This variant, reported as c.298insT, has been reported in the heterozygous state along with a second TNFRSF13B variant on the same allele (c.121G>C, p.Asp41His) in one individual with common variable immunodeficiency disorder (CVID) as well as in two unaffected family members (Salzer et al. 2009. PubMed ID: 18981294). This variant is reported in 0.0058% of alleles in individuals of Latino descent in gnomAD. Frameshift variants in TNFRSF13B are expected to be pathogenic. This variant is interpreted as likely pathogenic.

Literature cited by the submitters: PubMed 16007087 (cited by Labcorp Genetics (formerly Invitae), Labcorp); PubMed 27123465 (cited by Labcorp Genetics (formerly Invitae), Labcorp); PubMed 18981294 (cited by Labcorp Genetics (formerly Invitae), Labcorp).